The following is an entry in ClinVar:

NM_022049.3(GPR88):c.530C>T (p.Pro177Leu)

Gene: GPR88 (G protein-coupled receptor 88; plus strand). Cytogenetic location: 1p21.2.
Variant type: single nucleotide variant.
Coding change: c.530C>T on transcript NM_022049.3 (MANE Select); coding-DNA position 530, C replaced by T.
Protein change: p.Pro177Leu; replaces proline 177 with leucine.
Molecular consequence: missense variant.
Genome position (GRCh38, 1-based): chr1:100,539,496, C>T. VCF-style: chr1-100539496-C-T. GRCh37 (hg19) VCF-style: chr1-101005052-C-T.
Other names: short protein forms P177L.
Identifiers: ClinVar variation 1943197 (VCV001943197.5), dbSNP rs77557713, ClinGen allele CA28152833.

ClinVar aggregate classification (germline): Uncertain significance (1 of 4 stars; one submission).

Allele frequency attached by ClinVar (database versions not stated): gnomAD exomes below 0.00001; TOPMed 0.00001.

Submission:

Labcorp Genetics (formerly Invitae), Labcorp
Classification: Uncertain significance. Last evaluated: 2023-07-10. Review status: criteria provided, single submitter. Criteria: Invitae Variant Classification Sherloc (09022015). Collection method: clinical testing. Allele origin: germline.
Comment: In summary, the available evidence is currently insufficient to determine the role of this variant in disease. Therefore, it has been classified as a Variant of Uncertain Significance. An algorithm developed to predict the effect of missense changes on protein structure and function (PolyPhen-2) suggests that this variant is likely to be disruptive. ClinVar contains an entry for this variant (Variation ID: 1943197). This variant has not been reported in the literature in individuals affected with GPR88-related conditions. This variant is not present in population databases (gnomAD no frequency). This sequence change replaces proline, which is neutral and non-polar, with leucine, which is neutral and non-polar, at codon 177 of the GPR88 protein (p.Pro177Leu).